The following is an entry in ClinVar:

ClinVar aggregate classification (germline): Pathogenic/Likely pathogenic. Review status: criteria provided, multiple submitters, no conflicts (2 of 4 stars). 2 submissions from 2 submitters: Pathogenic (1); Likely pathogenic (1). Last evaluated 2025-01-20.

Conditions:
Microcephaly 9, primary, autosomal recessive. Identifiers: Orphanet 2512, MedGen C3553886, MONDO:0013923, OMIM 614852.
Seckel syndrome 5 (SCKL5). Identifiers: Orphanet 808, MedGen C3151187, MONDO:0013443, OMIM 613823.

Allele frequency attached by ClinVar (database versions not stated): gnomAD 0.00001; TOPMed 0.00001.
gnomAD v4.1: 22 of 1,613,848 alleles (0.0014%); highest among the groups gnomAD compares: South Asian, 0.0033%; no homozygotes.

Submissions (2):

Labcorp Genetics (formerly Invitae), Labcorp
Classification: Pathogenic. Last evaluated: 2025-01-20. Review status: criteria provided, single submitter. Criteria: Invitae Variant Classification Sherloc (09022015). Collection method: clinical testing. Allele origin: germline.
Comment: This sequence change creates a premature translational stop signal (p.Arg1253*) in the CEP152 gene. It is expected to result in an absent or disrupted protein product. Loss-of-function variants in CEP152 are known to be pathogenic (PMID: 21131973). This variant is present in population databases (no rsID available, gnomAD 0.0009%). This variant has not been reported in the literature in individuals affected with CEP152-related conditions. ClinVar contains an entry for this variant (Variation ID: 2844652). For these reasons, this variant has been classified as Pathogenic.

Fulgent Genetics
Classification: Likely pathogenic for Seckel syndrome 5; Microcephaly 9, primary, autosomal recessive. Last evaluated: 2024-03-25. Review status: criteria provided, single submitter. Criteria: ACMG Guidelines, 2015. Collection method: clinical testing. Allele origin: germline.

Literature cited by the submitters: PubMed 21131973 (cited by Labcorp Genetics (formerly Invitae), Labcorp).

NM_001194998.2(CEP152):c.3925C>T (p.Arg1309Ter)

Gene: CEP152 (centrosomal protein 152; minus strand). Cytogenetic location: 15q21.1.
Variant type: single nucleotide variant.
Coding change: c.3925C>T on transcript NM_001194998.2 (MANE Select); coding-DNA position 3925, C replaced by T.
Protein change: p.Arg1309Ter; replaces arginine 1309 with a stop codon.
Molecular consequence: nonsense.
Genome position (GRCh38, 1-based): chr15:48,742,011, G>A on the plus strand (C>T on the coding strand, the complement: CEP152 is on the minus strand). VCF-style: chr15-48742011-G-A. GRCh37 (hg19) VCF-style: chr15-49034208-G-A.
Other names: c.3757C>T, p.Arg1253Ter (NM_014985.4); short protein forms R1253*, R1309*.
Identifiers: ClinVar variation 2844652 (VCV002844652.4), dbSNP rs957548078, ClinGen allele CA269524806.
Genomic context (GRCh38, chr15:48,742,011, plus strand): 5'-CTTTTCCATCATCCTGCAAAATCTGTTGGAGGCAAATCAAATAATATTTGCGCATCTTTC[G>A]GGCGGTTTCTTGACGTTCTCGCAGTACCTCTGCTTTTACCATTTCTGCAGCTCGTTCCTT-3'